The following is an entry in ClinVar:

NM_000051.4(ATM):c.8405A>G (p.Gln2802Arg)

Genes: C11orf65 (chromosome 11 open reading frame 65; minus strand), ATM (ATM serine/threonine kinase; plus strand). Cytogenetic location: 11q22.3.
Variant type: single nucleotide variant.
Coding change: c.8405A>G on transcript NM_000051.4 (MANE Select); coding-DNA position 8405, A replaced by G.
Protein change: p.Gln2802Arg; replaces glutamine 2802 with arginine.
Molecular consequence: missense variant. On other transcripts: intron variant (2).
Genome position (GRCh38, 1-based): chr11:108,343,358, A>G. VCF-style: chr11-108343358-A-G. GRCh37 (hg19) VCF-style: chr11-108214085-A-G.
Other names: p.Q2802R:CAA>CGA; c.8405A>G, p.Gln2802Arg (NM_001351834.2); c.641-34287T>C (NM_001330368.2); c.695-8066T>C (NM_001351110.2); short protein forms Q2802R.
Identifiers: ClinVar variation 181897 (VCV000181897.34), dbSNP rs730881324, ClinGen allele CA298077.

ClinVar aggregate classification (germline): Conflicting classifications of pathogenicity. Review status: criteria provided, conflicting classifications (1 of 4 stars). 8 submissions from 8 submitters: Uncertain significance (6); Likely benign (1). 1 of the submissions does not count toward it. Last evaluated 2026-01-05.

Conditions:
Hereditary cancer-predisposing syndrome. Also called: Hereditary Cancer Syndrome; Tumor predisposition; Neoplastic Syndromes, Hereditary; Hereditary neoplastic syndrome. Identifiers: Orphanet 140162, MedGen C0027672, MeSH D009386, MONDO:0015356.
Familial cancer of breast. Also called: hereditary breast carcinoma; BREAST CANCER, FAMILIAL; Hereditary breast cancer. Identifiers: Orphanet 227535, MedGen C0346153, MONDO:0016419, OMIM 114480. Disease mechanism: loss of function.
Ataxia-telangiectasia syndrome (AT). Also called: ATAXIA-TELANGIECTASIA, COMPLEMENTATION GROUP A; ATAXIA-TELANGIECTASIA, FRESNO VARIANT; Ataxia-telangiectasia; Ataxia-telangiectasia, complementation group E; Cerebello-oculocutaneous telangiectasia; Immunodeficiency with ataxia telangiectasia. Identifiers: Orphanet 100, MedGen C0004135, MONDO:0008840, OMIM 208900.

Allele frequency attached by ClinVar (database versions not stated): TOPMed 0.00001; gnomAD exomes 0.00002.
gnomAD v4.1: 27 of 1,613,996 alleles (0.0017%); highest among the groups gnomAD compares: Admixed American, 0.005%; no homozygotes.

Submissions (8):

Labcorp Genetics (formerly Invitae), Labcorp
Classification: Uncertain significance for Ataxia-telangiectasia syndrome. Last evaluated: 2026-01-05. Review status: criteria provided, single submitter. Criteria: Invitae Variant Classification Sherloc (09022015). Collection method: clinical testing. Allele origin: germline.
Comment: This sequence change replaces glutamine, which is neutral and polar, with arginine, which is basic and polar, at codon 2802 of the ATM protein (p.Gln2802Arg). This variant is present in population databases (rs730881324, gnomAD 0.009%). This missense change has been observed in individual(s) with breast cancer (PMID: 34196900). ClinVar contains an entry for this variant (Variation ID: 181897). Invitae Evidence Modeling of protein sequence and biophysical properties (such as structural, functional, and spatial information, amino acid conservation, physicochemical variation, residue mobility, and thermodynamic stability) indicates that this missense variant is not expected to disrupt ATM protein function with a negative predictive value of 95%. In summary, the available evidence is currently insufficient to determine the role of this variant in disease. Therefore, it has been classified as a Variant of Uncertain Significance.

Quest Diagnostics Nichols Institute San Juan Capistrano
Classification: Uncertain significance. Last evaluated: 2025-09-30. Review status: criteria provided, single submitter. Criteria: Quest Diagnostics criteria. Collection method: clinical testing. Allele origin: unknown.

Ambry Genetics
Classification: Likely benign for Hereditary cancer-predisposing syndrome. Last evaluated: 2024-12-05. Review status: criteria provided, single submitter. Criteria: Ambry Variant Classification Scheme 2023. Collection method: clinical testing. Allele origin: germline.

Color Diagnostics, LLC DBA Color Health
Classification: Uncertain significance for Hereditary cancer-predisposing syndrome. Last evaluated: 2024-03-06. Review status: criteria provided, single submitter. Criteria: ACMG Guidelines, 2015. Collection method: clinical testing. Allele origin: germline.
Comment: This missense variant replaces glutamine with arginine at codon 2802 of the ATM protein. Computational prediction suggests that this variant may not impact protein structure and function (internally defined REVEL score threshold <= 0.5, PMID: 27666373). To our knowledge, functional studies have not been reported for this variant. This variant has not been reported in individuals affected with hereditary cancer in the literature. This variant has been identified in 4/251168 chromosomes in the general population by the Genome Aggregation Database (gnomAD). The available evidence is insufficient to determine the role of this variant in disease conclusively. Therefore, this variant is classified as a Variant of Uncertain Significance.

Baylor Genetics
Classification: Uncertain significance for Familial cancer of breast. Last evaluated: 2023-10-06. Review status: criteria provided, single submitter. Criteria: ACMG Guidelines, 2015. Collection method: clinical testing. Allele origin: unknown.

Athena Diagnostics
Classification: Uncertain significance. Last evaluated: 2021-12-02. Review status: criteria provided, single submitter. Criteria: Athena Diagnostics Criteria. Collection method: clinical testing. Allele origin: unknown.

GeneDx
Classification: Uncertain significance. Last evaluated: 2019-02-28. Review status: criteria provided, single submitter. Criteria: GeneDx Variant Classification Process June 2021. Collection method: clinical testing. Allele origin: germline. Affected: yes.
Comment: Not observed at a significant frequency in large population cohorts (Lek et al., 2016); In silico analysis supports that this missense variant does not alter protein structure/function; Has not been previously published as pathogenic or benign to our knowledge

Natera, Inc.
Classification: Uncertain significance for Ataxia-telangiectasia. Last evaluated: 2021-08-16. Review status: no assertion criteria provided. Collection method: clinical testing. Allele origin: germline. Not counted in ClinVar's aggregate classification.

Literature cited by the submitters: PubMed 34196900 (cited by Labcorp Genetics (formerly Invitae), Labcorp).